The following is an entry in ClinVar:

NM_022081.6(HPS4):c.1871C>T (p.Pro624Leu)

Gene: HPS4 (HPS4 biogenesis of lysosomal organelles complex 3 subunit 2; minus strand). Cytogenetic location: 22q12.1.
Variant type: single nucleotide variant.
Coding change: c.1871C>T on transcript NM_022081.6 (MANE Select); coding-DNA position 1871, C replaced by T.
Protein change: p.Pro624Leu; replaces proline 624 with leucine.
Molecular consequence: missense variant. On other transcripts: non-coding transcript variant (8), intron variant (2).
Genome position (GRCh38, 1-based): chr22:26,457,943, G>A on the plus strand (C>T on the coding strand, the complement: HPS4 is on the minus strand). VCF-style: chr22-26457943-G-A. GRCh37 (hg19) VCF-style: chr22-26853909-G-A.
Other names: c.1871C>T, p.Pro624Leu (NM_001349896.1, NM_001349898.2, NM_001349899.2 and 2 more transcripts); c.1925C>T, p.Pro642Leu (NM_001349900.2, NM_001349901.1); c.1856C>T, p.Pro619Leu (NM_152841.2); c.1714-4539C>T (NM_001349902.1, NM_001349903.2); c.1871C>T (NM_022081.4); short protein forms P619L, P642L, P624L.
Identifiers: ClinVar variation 1369965 (VCV001369965.8), dbSNP rs560591308, ClinGen allele CA10163175.

ClinVar aggregate classification (germline): Uncertain significance. Review status: criteria provided, multiple submitters, no conflicts (2 of 4 stars). 3 submissions from 3 submitters: Uncertain significance (3). Last evaluated 2025-01-13.

Conditions:
Inborn genetic diseases. Identifiers: MedGen C0950123, MeSH D030342.

Allele frequency attached by ClinVar (database versions not stated): TOPMed 0.00003; gnomAD 0.00004; 1000 Genomes Project 30x 0.00016; 1000 Genomes Project 0.00020.
gnomAD v4.1: 29 of 1,613,572 alleles (0.0018%); highest among the groups gnomAD compares: East Asian, 0.025%; no homozygotes.

Submissions (3):

Women's Health and Genetics/Laboratory Corporation of America, LabCorp
Classification: Uncertain significance. Last evaluated: 2025-01-13. Review status: criteria provided, single submitter. Criteria: LabCorp Variant Classification Summary - May 2015. Collection method: clinical testing. Allele origin: germline.
Comment: Variant summary: HPS4 c.1871C>T (p.Pro624Leu) results in a non-conservative amino acid change located in the Intu longin-like domain 3 (IPR043989) of the encoded protein sequence. Three of five in-silico tools predict a benign effect of the variant on protein function. The variant allele was found at a frequency of 6e-05 in 250616 control chromosomes (gnomAD). This frequency is not significantly higher than estimated for a pathogenic variant in HPS4 causing Hermansky-Pudlak Syndrome (6e-05 vs 0.00052), allowing no conclusion about variant significance. To our knowledge, no occurrence of c.1871C>T in individuals affected with Hermansky-Pudlak Syndrome and no experimental evidence demonstrating its impact on protein function have been reported. ClinVar contains an entry for this variant (Variation ID: 1369965). Based on the evidence outlined above, the variant was classified as uncertain significance.

Ambry Genetics
Classification: Uncertain significance for Inborn genetic diseases. Last evaluated: 2023-10-25. Review status: criteria provided, single submitter. Criteria: Ambry Variant Classification Scheme 2023. Collection method: clinical testing. Allele origin: germline.

Labcorp Genetics (formerly Invitae), Labcorp
Classification: Uncertain significance. Last evaluated: 2022-08-31. Review status: criteria provided, single submitter. Criteria: Invitae Variant Classification Sherloc (09022015). Collection method: clinical testing. Allele origin: germline.
Comment: This sequence change replaces proline, which is neutral and non-polar, with leucine, which is neutral and non-polar, at codon 624 of the HPS4 protein (p.Pro624Leu). This variant is present in population databases (rs560591308, gnomAD 0.06%). This variant has not been reported in the literature in individuals affected with HPS4-related conditions. ClinVar contains an entry for this variant (Variation ID: 1369965). Algorithms developed to predict the effect of missense changes on protein structure and function are either unavailable or do not agree on the potential impact of this missense change (SIFT: "Deleterious"; PolyPhen-2: "Benign"; Align-GVGD: "Class C25"). In summary, the available evidence is currently insufficient to determine the role of this variant in disease. Therefore, it has been classified as a Variant of Uncertain Significance.